The following is an entry in ClinVar:

NM_024408.4(NOTCH2):c.4057A>G (p.Lys1353Glu)

Gene: NOTCH2 (notch receptor 2; minus strand). Cytogenetic location: 1p12.
Variant type: single nucleotide variant.
Coding change: c.4057A>G on transcript NM_024408.4 (MANE Select); coding-DNA position 4057, A replaced by G.
Protein change: p.Lys1353Glu; replaces lysine 1353 with glutamic acid.
Molecular consequence: missense variant.
Genome position (GRCh38, 1-based): chr1:119,925,759, T>C on the plus strand (A>G on the coding strand, the complement: NOTCH2 is on the minus strand). VCF-style: chr1-119925759-T-C. GRCh37 (hg19) VCF-style: chr1-120468382-T-C.
Other names: c.4057A>G (NM_024408.3); short protein forms K1353E.
Identifiers: ClinVar variation 3586097 (VCV003586097.3).

ClinVar aggregate classification (germline): Uncertain significance. Review status: criteria provided, multiple submitters, no conflicts (2 of 4 stars). 3 submissions from 3 submitters: Uncertain significance (3). Last evaluated 2025-06-25.

Conditions:
Alagille syndrome due to a NOTCH2 point mutation. Also called: Alagille syndrome 2. Identifiers: Orphanet 261629, Orphanet 52, MedGen C1857761, MONDO:0012439, OMIM 610205.
Hajdu-Cheney syndrome (HJCYS). Also called: ACROOSTEOLYSIS WITH OSTEOPOROSIS AND CHANGES IN SKULL AND MANDIBLE; Acroosteolysis dominant type; SERPENTINE FIBULA-POLYCYSTIC KIDNEY SYNDROME. Identifiers: Orphanet 955, MedGen C0917715, MONDO:0007057, OMIM 102500.
NOTCH2-related disorder. Also called: NOTCH2-related condition.

gnomAD v4.1: 9 of 1,614,012 alleles (0.00056%); highest among the groups gnomAD compares: Non-Finnish European, 0.00076%; no homozygotes.

Submissions (3):

PreventionGenetics, part of Exact Sciences
Classification: Uncertain significance for NOTCH2-related condition. Last evaluated: 2025-06-25. Review status: criteria provided, single submitter. Criteria: ACMG Guidelines, 2015. Collection method: clinical testing. Allele origin: germline.
Comment: The NOTCH2 c.4057A>G variant is predicted to result in the amino acid substitution p.Lys1353Glu. To our knowledge, this variant has not been reported in the literature. This variant is reported in 0.00090% of alleles in individuals of European (Non-Finnish) descent in gnomAD. At this time, the clinical significance of this variant is uncertain due to the absence of conclusive functional and genetic evidence.

Labcorp Genetics (formerly Invitae), Labcorp
Classification: Uncertain significance for Hajdu-Cheney syndrome. Last evaluated: 2025-03-26. Review status: criteria provided, single submitter. Criteria: Invitae Variant Classification Sherloc (09022015). Collection method: clinical testing. Allele origin: germline.
Comment: This sequence change replaces lysine, which is basic and polar, with glutamic acid, which is acidic and polar, at codon 1353 of the NOTCH2 protein (p.Lys1353Glu). This variant is present in population databases (no rsID available, gnomAD 0.0009%). This variant has not been reported in the literature in individuals affected with NOTCH2-related conditions. ClinVar contains an entry for this variant (Variation ID: 3586097). Invitae Evidence Modeling of protein sequence and biophysical properties (such as structural, functional, and spatial information, amino acid conservation, physicochemical variation, residue mobility, and thermodynamic stability) indicates that this missense variant is not expected to disrupt NOTCH2 protein function with a negative predictive value of 80%. In summary, the available evidence is currently insufficient to determine the role of this variant in disease. Therefore, it has been classified as a Variant of Uncertain Significance.

Fulgent Genetics
Classification: Uncertain significance for Hajdu-Cheney syndrome; Alagille syndrome due to a NOTCH2 point mutation. Last evaluated: 2024-06-11. Review status: criteria provided, single submitter. Criteria: ACMG Guidelines, 2015. Collection method: clinical testing. Allele origin: germline.